The following is an entry in ClinVar:

NM_004990.4(MARS1):c.1931C>G (p.Ser644Cys)

Gene: MARS1 (methionyl-tRNA synthetase 1; plus strand). Cytogenetic location: 12q13.3.
Variant type: single nucleotide variant.
Coding change: c.1931C>G on transcript NM_004990.4 (MANE Select); coding-DNA position 1931, C replaced by G.
Protein change: p.Ser644Cys; replaces serine 644 with cysteine.
Molecular consequence: missense variant.
Genome position (GRCh38, 1-based): chr12:57,512,928, C>G. VCF-style: chr12-57512928-C-G. GRCh37 (hg19) VCF-style: chr12-57906711-C-G.
Other names: short protein forms S644C.
Identifiers: ClinVar variation 1681762 (VCV001681762.8), dbSNP rs1276192658, ClinGen allele CA385463445.

ClinVar aggregate classification (germline): Uncertain significance (1 of 4 stars; one submission).

Conditions:
Charcot-Marie-Tooth disease axonal type 2U. Also called: CHARCOT-MARIE-TOOTH NEUROPATHY, TYPE 2U; CHARCOT-MARIE-TOOTH DISEASE, AXONAL, AUTOSOMAL DOMINANT, TYPE 2U. Identifiers: Orphanet 397735, MedGen C4084821, MONDO:0014566, OMIM 616280.
Severe early-onset pulmonary alveolar proteinosis due to MARS deficiency. Also called: PULMONARY ALVEOLAR PROTEINOSIS, REUNION ISLAND; Interstitial lung and liver disease. Identifiers: Orphanet 440427, MedGen C4225400, MONDO:0014206, OMIM 615486.

Allele frequency attached by ClinVar (database versions not stated): gnomAD 0.00001; gnomAD exomes 0.00001; TOPMed 0.00001.
gnomAD v4.1: 13 of 1,614,104 alleles (0.00081%); highest among the groups gnomAD compares: Non-Finnish European, 0.0011%; no homozygotes.

Submission:

Labcorp Genetics (formerly Invitae), Labcorp
Classification: Uncertain significance for Charcot-Marie-Tooth disease axonal type 2U; Severe early-onset pulmonary alveolar proteinosis due to MARS deficiency. Last evaluated: 2025-08-14. Review status: criteria provided, single submitter. Criteria: Invitae Variant Classification Sherloc (09022015). Collection method: clinical testing. Allele origin: germline.
Comment: This sequence change replaces serine, which is neutral and polar, with cysteine, which is neutral and slightly polar, at codon 644 of the MARS protein (p.Ser644Cys). This variant is not present in population databases (gnomAD no frequency). This variant has not been reported in the literature in individuals affected with MARS-related conditions. ClinVar contains an entry for this variant (Variation ID: 1681762). An algorithm developed to predict the effect of missense changes on protein structure and function (PolyPhen-2) suggests that this variant is likely to be disruptive. In summary, the available evidence is currently insufficient to determine the role of this variant in disease. Therefore, it has been classified as a Variant of Uncertain Significance.